The following is an entry in ClinVar:

NM_032608.7(MYO18B):c.4080G>A (p.Lys1360=)

Gene: MYO18B (myosin XVIIIB; plus strand). Cytogenetic location: 22q12.1.
Variant type: single nucleotide variant.
Coding change: c.4080G>A on transcript NM_032608.7 (MANE Select); coding-DNA position 4080, G replaced by A.
Protein change: p.Lys1360=; no amino-acid change (lysine 1360 retained).
Molecular consequence: synonymous variant.
Genome position (GRCh38, 1-based): chr22:25,874,414, G>A. VCF-style: chr22-25874414-G-A. GRCh37 (hg19) VCF-style: chr22-26270381-G-A.
Other names: c.4083G>A, p.Lys1361= (NM_001318245.2).
Identifiers: ClinVar variation 1486305 (VCV001486305.6), dbSNP rs1478032989, ClinGen allele CA513906812.
Genomic context (GRCh38, chr22:25,874,414, plus strand): 5'-CGTTCTCTTCCAGGCGGCTTGCAAGGGCTTTCTGTCTCGCCAGGAATTCAAGAAGCTGAA[G>A]GTACTGCATGCCGTTCCCATGAGGAGTCTGATCCAACGGGTCTGGAGCGGGCATAGGGTC-3'
Protein context (NP_115997.5, residues 1350-1370): FLSRQEFKKL[Lys1360=]IRRLAAQCIQ

ClinVar aggregate classification (germline): Uncertain significance (1 of 4 stars; one submission).

Allele frequency attached by ClinVar (database versions not stated): gnomAD exomes below 0.00001; TOPMed below 0.00001.
gnomAD v4.1: 6 of 1,612,916 alleles (0.00037%); highest among the groups gnomAD compares: Non-Finnish European, 0.00051%; no homozygotes.

Submission:

Labcorp Genetics (formerly Invitae), Labcorp
Classification: Uncertain significance. Last evaluated: 2022-07-05. Review status: criteria provided, single submitter. Criteria: Invitae Variant Classification Sherloc (09022015). Collection method: clinical testing. Allele origin: germline.
Comment: This sequence change affects codon 1360 of the MYO18B mRNA. It is a 'silent' change, meaning that it does not change the encoded amino acid sequence of the MYO18B protein. This variant also falls at the last nucleotide of exon 23, which is part of the consensus splice site for this exon. This variant is present in population databases (no rsID available, gnomAD 0.0009%). This variant has not been reported in the literature in individuals affected with MYO18B-related conditions. ClinVar contains an entry for this variant (Variation ID: 1486305). Variants that disrupt the consensus splice site are a relatively common cause of aberrant splicing (PMID: 17576681, 9536098). Algorithms developed to predict the effect of sequence changes on RNA splicing suggest that this variant may disrupt the consensus splice site. In summary, the available evidence is currently insufficient to determine the role of this variant in disease. Therefore, it has been classified as a Variant of Uncertain Significance.

Literature cited by the submitters: PubMed 17576681; PubMed 9536098.